The following is an entry in ClinVar:

NM_006662.3(SRCAP):c.8170A>G (p.Thr2724Ala)

Gene: SRCAP (Snf2 related CREBBP activator protein; plus strand). Cytogenetic location: 16p11.2.
Variant type: single nucleotide variant.
Coding change: c.8170A>G on transcript NM_006662.3 (MANE Select); coding-DNA position 8170, A replaced by G.
Protein change: p.Thr2724Ala; replaces threonine 2724 with alanine.
Molecular consequence: missense variant.
Genome position (GRCh38, 1-based): chr16:30,738,210, A>G. VCF-style: chr16-30738210-A-G. GRCh37 (hg19) VCF-style: chr16-30749531-A-G.
Other names: short protein forms T2724A.
Identifiers: ClinVar variation 4740497 (VCV004740497.1).
Genomic context (GRCh38, chr16:30,738,210, plus strand): 5'-TCATCTTCAGCCACTTCCTCGCCTGAGGGTCCTTCACCTGCCCGACCTCCTCGGCGTCGC[A>G]CCAGTGCTGATGTGGAAATTAGGGGTCAAGGGACTGGTCGGCCAGGACAACCACCAGGCC-3'
Protein context (NP_006653.2, residues 2714-2734): PSPARPPRRR[Thr2724Ala]SADVEIRGQG

ClinVar aggregate classification (germline): Uncertain significance (1 of 4 stars; one submission).

Submission:

Labcorp Genetics (formerly Invitae), Labcorp
Classification: Uncertain significance. Last evaluated: 2025-04-13. Review status: criteria provided, single submitter. Criteria: Invitae Variant Classification Sherloc (09022015). Collection method: clinical testing. Allele origin: germline.
Comment: This sequence change replaces threonine, which is neutral and polar, with alanine, which is neutral and non-polar, at codon 2724 of the SRCAP protein (p.Thr2724Ala). This variant is not present in population databases (gnomAD no frequency). This variant has not been reported in the literature in individuals affected with SRCAP-related conditions. Invitae Evidence Modeling of protein sequence and biophysical properties (such as structural, functional, and spatial information, amino acid conservation, physicochemical variation, residue mobility, and thermodynamic stability) indicates that this missense variant is not expected to disrupt SRCAP protein function with a negative predictive value of 80%. In summary, the available evidence is currently insufficient to determine the role of this variant in disease. Therefore, it has been classified as a Variant of Uncertain Significance.